The following is an entry in ClinVar:

NM_000383.4(AIRE):c.47C>G (p.Thr16Arg)

Gene: AIRE (autoimmune regulator; plus strand). Cytogenetic location: 21q22.3.
Variant type: single nucleotide variant.
Coding change: c.47C>G on transcript NM_000383.4 (MANE Select); coding-DNA position 47, C replaced by G.
Protein change: p.Thr16Arg; replaces threonine 16 with arginine.
Molecular consequence: missense variant.
Genome position (GRCh38, 1-based): chr21:44,286,053, C>G. VCF-style: chr21-44286053-C-G. GRCh37 (hg19) VCF-style: chr21-45705936-C-G.
Other names: short protein forms T16R.
Identifiers: ClinVar variation 3251578 (VCV003251578.2), dbSNP rs179363877.

ClinVar aggregate classification (germline): Likely pathogenic. Review status: criteria provided, multiple submitters, no conflicts (2 of 4 stars). 2 submissions from 2 submitters: Likely pathogenic (2). Last evaluated 2024-04-04.

Conditions:
Polyglandular autoimmune syndrome, type 1 (APS1). Also called: AUTOIMMUNE POLYENDOCRINE SYNDROME, TYPE I, WITH OR WITHOUT REVERSIBLE METAPHYSEAL DYSPLASIA; Whitaker syndrome; APS I; Autoimmune polyendocrinopathy syndrome, type I; HYPOADRENOCORTICISM WITH HYPOPARATHYROIDISM AND SUPERFICIAL MONILIASIS; PGA I. Identifiers: Orphanet 3453, MedGen C0085859, MONDO:0009411, OMIM 240300.

gnomAD v4.1: 1 of 1,540,734 alleles (0.000065%); highest among the groups gnomAD compares: Non-Finnish European, 0.000087%; no homozygotes.

Submissions (2):

Fulgent Genetics
Classification: Likely pathogenic for Polyglandular autoimmune syndrome, type 1. Last evaluated: 2024-04-04. Review status: criteria provided, single submitter. Criteria: ACMG Guidelines, 2015. Collection method: clinical testing. Allele origin: germline.

Women's Health and Genetics/Laboratory Corporation of America, LabCorp
Classification: Likely pathogenic for Polyglandular autoimmune syndrome, type 1. Last evaluated: 2024-04-03. Review status: criteria provided, single submitter. Criteria: LabCorp Variant Classification Summary - May 2015. Collection method: clinical testing. Allele origin: germline.
Comment: Variant summary: AIRE c.47C>G (p.Thr16Arg) results in a non-conservative amino acid change located in the HSR domain (IPR004865) of the encoded protein sequence. Five of five in-silico tools predict a damaging effect of the variant on protein function. The variant was absent from 135998 control chromosomes. c.47C>G has been reported in the literature in at least one homozygous individual affected with Autoimmune Polyglandular Syndrome Type 1 (e.g. Yan_2020). These data indicate that the variant may be associated with disease. To our knowledge, no experimental evidence demonstrating an impact on protein function has been reported. A different variant located at the same codon (c.347C>T, p.Thr16Met) has been classified as pathogenic, supporting a critical relevance of this residue to AIRE protein function. The following publication has been ascertained in the context of this evaluation (PMID: 32358377). No submitters have cited clinical-significance assessments for this variant to ClinVar. Based on the evidence outlined above, the variant was classified as likely pathogenic.

Literature cited by the submitters: PubMed 32358377 (cited by Women's Health and Genetics/Laboratory Corporation of America, LabCorp).